The following is an entry in ClinVar:

ClinVar aggregate classification (germline): Uncertain significance (1 of 4 stars; one submission).

Allele frequency attached by ClinVar (database versions not stated): ExAC 0.00001; gnomAD 0.00001; gnomAD exomes 0.00001.

Submission:

GeneDx
Classification: Uncertain significance. Last evaluated: 2022-01-29. Review status: criteria provided, single submitter. Criteria: GeneDx Variant Classification Process June 2021. Collection method: clinical testing. Allele origin: germline. Affected: yes.
Comment: Not observed at significant frequency in large population cohorts (gnomAD); In silico analysis supports that this missense variant has a deleterious effect on protein structure/function; Has not been previously published as pathogenic or benign to our knowledge

NM_000334.4(SCN4A):c.1773C>A (p.Asn591Lys)

Gene: SCN4A (sodium voltage-gated channel alpha subunit 4; minus strand). Cytogenetic location: 17q23.3.
Variant type: single nucleotide variant.
Coding change: c.1773C>A on transcript NM_000334.4 (MANE Select); coding-DNA position 1773, C replaced by A.
Protein change: p.Asn591Lys; replaces asparagine 591 with lysine.
Molecular consequence: missense variant.
Genome position (GRCh38, 1-based): chr17:63,961,265, G>T on the plus strand (C>A on the coding strand, the complement: SCN4A is on the minus strand). VCF-style: chr17-63961265-G-T. GRCh37 (hg19) VCF-style: chr17-62038625-G-T.
Other names: short protein forms N591K.
Identifiers: ClinVar variation 1699794 (VCV001699794.2), dbSNP rs768087254, ClinGen allele CA8709749.